The following is an entry in ClinVar:

ClinVar aggregate classification (germline): Pathogenic (1 of 4 stars; one submission).

Allele frequency attached by ClinVar (database versions not stated): gnomAD exomes 0.00001.
gnomAD v4.1: 7 of 1,614,010 alleles (0.00043%); highest among the groups gnomAD compares: Non-Finnish European, 0.00059%; no homozygotes.

Submission:

Labcorp Genetics (formerly Invitae), Labcorp
Classification: Pathogenic. Last evaluated: 2023-07-14. Review status: criteria provided, single submitter. Criteria: Invitae Variant Classification Sherloc (09022015). Collection method: clinical testing. Allele origin: germline.
Comment: For these reasons, this variant has been classified as Pathogenic. This variant disrupts a region of the CNNM4 protein in which other variant(s) (p.Gln717*) have been determined to be pathogenic (PMID: 19200525). This suggests that this is a clinically significant region of the protein, and that variants that disrupt it are likely to be disease-causing. Variants that disrupt the consensus splice site are a relatively common cause of aberrant splicing (PMID: 17576681, 9536098). Algorithms developed to predict the effect of sequence changes on RNA splicing suggest that this variant may disrupt the consensus splice site. ClinVar contains an entry for this variant (Variation ID: 1054444). This variant has not been reported in the literature in individuals affected with CNNM4-related conditions. This variant is not present in population databases (gnomAD no frequency). This sequence change affects a donor splice site in intron 6 of the CNNM4 gene. While this variant is not anticipated to result in nonsense mediated decay, it likely alters RNA splicing and results in a disrupted protein product.

Literature cited by the submitters: PubMed 19200525; PubMed 17576681; PubMed 9536098.

NM_020184.4(CNNM4):c.2130+1G>A

Gene: CNNM4 (cyclin and CBS domain divalent metal cation transport mediator 4; plus strand). Cytogenetic location: 2q11.2.
Variant type: single nucleotide variant.
Coding change: c.2130+1G>A on transcript NM_020184.4 (MANE Select); the canonical splice donor site of the intron after coding-DNA position 2130, G replaced by A.
Molecular consequence: splice donor variant.
Genome position (GRCh38, 1-based): chr2:96,808,743, G>A. VCF-style: chr2-96808743-G-A. GRCh37 (hg19) VCF-style: chr2-97474480-G-A.
Identifiers: ClinVar variation 1054444 (VCV001054444.7), dbSNP rs1403924382, ClinGen allele CA347709028.